The following is an entry in ClinVar:

NM_000321.3(RB1):c.9_10delinsGG (p.Lys4Glu)

Gene: RB1 (RB transcriptional corepressor 1; plus strand). Cytogenetic location: 13q14.2.
Variant type: Indel.
Coding change: c.9_10delinsGG on transcript NM_000321.3 (MANE Select); coding-DNA positions 9 to 10, CA replaced by GG.
Protein change: p.Lys4Glu; replaces lysine 4 with glutamic acid.
Molecular consequence: missense variant.
Genome position (GRCh38, 1-based): chr13:48,303,921-48,303,922, CA replaced by GG. VCF-style: chr13-48303921-CA-GG. GRCh37 (hg19) VCF-style: chr13-48878057-CA-GG.
Other names: c.9_10delinsGG, p.Lys4Glu (NM_001407165.1, NM_001407166.1, NM_001407167.1); short protein forms K4E.
Identifiers: ClinVar variation 2692725 (VCV002692725.3), dbSNP rs2542093127, ClinGen allele CA2697551896.

ClinVar aggregate classification (germline): Uncertain significance (1 of 4 stars; one submission).

Conditions:
Retinoblastoma (RB1). Also called: RETINOBLASTOMA, SOMATIC. Identifiers: Orphanet 790, MedGen C0035335, MeSH D012175, MONDO:0008380, OMIM 180200, HP:0009919. Disease mechanism: loss of function. Inheritance: Both sporadic and heritable forms are tested..

Submission:

Labcorp Genetics (formerly Invitae), Labcorp
Classification: Uncertain significance for Retinoblastoma. Last evaluated: 2023-11-02. Review status: criteria provided, single submitter. Criteria: Invitae Variant Classification Sherloc (09022015). Collection method: clinical testing. Allele origin: germline.
Comment: This sequence change replaces lysine, which is basic and polar, with glutamic acid, which is acidic and polar, at codon 4 of the RB1 protein (p.Lys4Glu). Information on the frequency of this variant in the gnomAD database is not available, as this variant may be reported differently in the database. This variant has not been reported in the literature in individuals affected with RB1-related conditions. Experimental studies and prediction algorithms are not available or were not evaluated, and the functional significance of this variant is currently unknown. In summary, the available evidence is currently insufficient to determine the role of this variant in disease. Therefore, it has been classified as a Variant of Uncertain Significance.